The following is an entry in ClinVar:

ClinVar aggregate classification (germline): Conflicting classifications of pathogenicity. Review status: criteria provided, conflicting classifications (1 of 4 stars). 8 submissions from 8 submitters: Uncertain significance (7); Likely benign (1). Last evaluated 2026-09-23.

Conditions:
DOLK-related disorder. Also called: DOLK-related condition.
Cardiovascular phenotype. Identifiers: MedGen CN230736.
DK1-congenital disorder of glycosylation. Also called: DK1-CDG; CONGENITAL DISORDER OF GLYCOSYLATION, TYPE Im; DOLK-congenital disorder of glycosylation; Carbohydrate deficient glycoprotein syndrome type 1m; CDG Im; DK1 DEFICIENCY. Identifiers: Orphanet 91131, MedGen C1835849, MONDO:0012556, OMIM 610768.

Allele frequency attached by ClinVar (database versions not stated): ExAC 0.00007; gnomAD exomes 0.00007; TOPMed 0.00012; ESP Exome Variant Server 0.00015; gnomAD 0.00015 and 0.00016.

Submissions (8):

PreventionGenetics, part of Exact Sciences
Classification: Uncertain significance for DOLK-related condition. Last evaluated: 2026-09-23. Review status: criteria provided, single submitter. Criteria: ACMG Guidelines, 2015. Collection method: clinical testing. Allele origin: germline.
Comment: The DOLK c.1257C>G variant is predicted to result in the amino acid substitution p.Ile419Met. To our knowledge, this variant has not been reported in individuals with DOLK-related disorders the literature. This variant is reported in 0.017% of alleles in individuals of European (Non-Finnish) descent in gnomAD. At this time, the clinical significance of this variant is uncertain due to the absence of conclusive functional and genetic evidence.

Women's Health and Genetics/Laboratory Corporation of America, LabCorp
Classification: Uncertain significance. Last evaluated: 2026-01-16. Review status: criteria provided, single submitter. Criteria: LabCorp Variant Classification Summary - May 2015. Collection method: clinical testing. Allele origin: germline.

Labcorp Genetics (formerly Invitae), Labcorp
Classification: Uncertain significance for DK1-congenital disorder of glycosylation. Last evaluated: 2025-01-07. Review status: criteria provided, single submitter. Criteria: Invitae Variant Classification Sherloc (09022015). Collection method: clinical testing. Allele origin: germline.
Comment: This sequence change replaces isoleucine, which is neutral and non-polar, with methionine, which is neutral and non-polar, at codon 419 of the DOLK protein (p.Ile419Met). This variant is present in population databases (rs138962748, gnomAD 0.02%). This variant has not been reported in the literature in individuals affected with DOLK-related conditions. ClinVar contains an entry for this variant (Variation ID: 575078). Invitae Evidence Modeling of protein sequence and biophysical properties (such as structural, functional, and spatial information, amino acid conservation, physicochemical variation, residue mobility, and thermodynamic stability) indicates that this missense variant is not expected to disrupt DOLK protein function with a negative predictive value of 80%. In summary, the available evidence is currently insufficient to determine the role of this variant in disease. Therefore, it has been classified as a Variant of Uncertain Significance.

GeneDx
Classification: Uncertain significance. Last evaluated: 2024-08-18. Review status: criteria provided, single submitter. Criteria: GeneDx Variant Classification Process June 2021. Collection method: clinical testing. Allele origin: germline. Affected: yes.
Comment: In silico analysis indicates that this missense variant does not alter protein structure/function; Has not been previously published as pathogenic or benign to our knowledge; This variant is associated with the following publications: (PMID: 25188385, 26257771)

Ambry Genetics
Classification: Likely benign for Cardiovascular phenotype. Last evaluated: 2024-05-17. Review status: criteria provided, single submitter. Criteria: Ambry Variant Classification Scheme 2023. Collection method: clinical testing. Allele origin: germline.

ARUP Laboratories, Molecular Genetics and Genomics, ARUP Laboratories
Classification: Uncertain significance for DK1-congenital disorder of glycosylation. Last evaluated: 2023-08-31. Review status: criteria provided, single submitter. Criteria: ARUP Molecular Germline Variant Investigation Process 2024. Collection method: clinical testing. Allele origin: germline.
Comment: The DOLK c.1257C>G; p.Ile419Met variant (rs138962748), to our knowledge, is not reported in the medical literature but is reported in ClinVar (Variation ID: 575078). This variant is found in the non-Finnish European population with an allele frequency of 0.02% (22/128,990 alleles) in the Genome Aggregation Database. Computational analyses predict that this variant is neutral (REVEL: 0.137). However, given the lack of clinical and functional data, the significance of the p.Ile419Met variant is uncertain at this time.

Fulgent Genetics
Classification: Uncertain significance for DK1-congenital disorder of glycosylation. Last evaluated: 2021-09-01. Review status: criteria provided, single submitter. Criteria: ACMG Guidelines, 2015. Collection method: clinical testing. Allele origin: unknown.

Illumina Laboratory Services, Illumina
Classification: Uncertain significance for DK1-congenital disorder of glycosylation. Last evaluated: 2018-01-13. Review status: criteria provided, single submitter. Criteria: ICSL Variant Classification Criteria 13 December 2019. Collection method: clinical testing. Allele origin: germline.

Literature cited by the submitters: PubMed 26257771 (cited by Ambry Genetics).

NM_014908.4(DOLK):c.1257C>G (p.Ile419Met)

Gene: DOLK (dolichol kinase; minus strand). Cytogenetic location: 9q34.11.
Variant type: single nucleotide variant.
Coding change: c.1257C>G on transcript NM_014908.4 (MANE Select); coding-DNA position 1257, C replaced by G.
Protein change: p.Ile419Met; replaces isoleucine 419 with methionine.
Molecular consequence: missense variant.
Genome position (GRCh38, 1-based): chr9:128,946,047, G>C on the plus strand (C>G on the coding strand, the complement: DOLK is on the minus strand). VCF-style: chr9-128946047-G-C. GRCh37 (hg19) VCF-style: chr9-131708326-G-C.
Other names: short protein forms I419M.
Identifiers: ClinVar variation 575078 (VCV000575078.19), dbSNP rs138962748, ClinGen allele CA5271598.